The following is an entry in ClinVar:

NM_001386298.1(CIC):c.1975C>T (p.Arg659Cys)

Gene: CIC (capicua transcriptional repressor; plus strand). Cytogenetic location: 19q13.2.
Variant type: single nucleotide variant.
Coding change: c.1975C>T on transcript NM_001386298.1 (MANE Select); coding-DNA position 1975, C replaced by T.
Protein change: p.Arg659Cys; replaces arginine 659 with cysteine.
Molecular consequence: missense variant.
Genome position (GRCh38, 1-based): chr19:42,273,758, C>T. VCF-style: chr19-42273758-C-T. GRCh37 (hg19) VCF-style: chr19-42777910-C-T.
Other names: c.1975C>T, p.Arg659Cys (NM_001304815.2, NM_001379480.1, NM_001379482.1 and 1 more transcripts); short protein forms R659C.
Identifiers: ClinVar variation 2429812 (VCV002429812.3), dbSNP rs2036866760, ClinGen allele CA406086984.

ClinVar aggregate classification (germline): Conflicting classifications of pathogenicity. Review status: criteria provided, conflicting classifications (1 of 4 stars). 2 submissions from 2 submitters: Uncertain significance (1); Likely benign (1). Last evaluated 2026-09-01.

Conditions:
Autism spectrum disorder. Also called: Autism spectrum disorders. Identifiers: MedGen C1510586, MeSH D000067877, MONDO:0005258.

Allele frequency attached by ClinVar (database versions not stated): TOPMed below 0.00001.
gnomAD v4.1: 1 of 398,812 alleles (0.00025%); highest among the groups gnomAD compares: Non-Finnish European, 0.00044%; no homozygotes.

Submissions (2):

CeGaT Center for Human Genetics Tuebingen
Classification: Uncertain significance. Last evaluated: 2026-09-01. Review status: criteria provided, single submitter. Criteria: CeGaT Center For Human Genetics Tuebingen Variant Classification Criteria Version 2. Collection method: clinical testing. Allele origin: germline. Affected: yes. Observed: 1 variant allele.
Comment: CIC: PM2

Department of Genetics, Rouen University Hospital, Normandy Center for Genomic and Personalized Medicine
Classification: Likely benign for Autism spectrum disorder. Last evaluated: 2021-03-26. Review status: criteria provided, single submitter. Criteria: ACMG Guidelines, 2015. Collection method: clinical testing. Allele origin: maternal. Affected: yes.